The following is an entry in ClinVar:

ClinVar aggregate classification (germline): Benign/Likely benign. Review status: criteria provided, multiple submitters, no conflicts (2 of 4 stars). 6 submissions from 6 submitters: Benign (4); Likely benign (2). Last evaluated 2026-01-26.

Conditions:
TSC2-related disorder. Also called: TSC2-Related Disorders; TSC2-related condition.
Tuberous sclerosis syndrome (TSC). Also called: Tuberous sclerosis; Tuberous Sclerosis Complex. Identifiers: Orphanet 805, MedGen C0041341, MONDO:0001734.
Tuberous sclerosis 2 (TSC2). Identifiers: Orphanet 805, MedGen C1860707, MONDO:0013199, OMIM 613254.

Allele frequency attached by ClinVar (database versions not stated): TOPMed 0.00002; gnomAD 0.00003; gnomAD exomes 0.00003.
gnomAD v4.1: 19 of 1,611,904 alleles (0.0012%); highest among the groups gnomAD compares: Non-Finnish European, 0.0016%; no homozygotes.

Submissions (6):

Labcorp Genetics (formerly Invitae), Labcorp
Classification: Benign for Tuberous sclerosis 2. Last evaluated: 2026-01-26. Review status: criteria provided, single submitter. Criteria: Invitae Variant Classification Sherloc (09022015). Collection method: clinical testing. Allele origin: germline.

PreventionGenetics, part of Exact Sciences
Classification: Likely benign for TSC2-related condition. Last evaluated: 2026-01-05. Review status: criteria provided, single submitter. Criteria: ACMG Guidelines, 2015. Collection method: clinical testing. Allele origin: germline.
Comment: This variant is classified as likely benign based on ACMG/AMP sequence variant interpretation guidelines (Richards et al. 2015 PMID: 25741868, with internal and published modifications).

Myriad Genetics, Inc.
Classification: Benign for Tuberous sclerosis 2. Last evaluated: 2025-06-05. Review status: criteria provided, single submitter. Criteria: Myriad Autosomal Dominant, Autosomal Recessive and X-Linked Classification Criteria (2023). Collection method: clinical testing. Allele origin: unknown.
Comment: This variant is considered benign. This variant is intronic and is not expected to impact mRNA splicing. This variant has been observed at a population frequency that is significantly greater than expected given the associated disease prevalence and penetrance.

Color Diagnostics, LLC DBA Color Health
Classification: Likely benign for Tuberous sclerosis syndrome. Last evaluated: 2023-01-11. Review status: criteria provided, single submitter. Criteria: ACMG Guidelines, 2015. Collection method: clinical testing. Allele origin: germline.

Genome-Nilou Lab
Classification: Benign for Tuberous sclerosis 2. Last evaluated: 2021-11-07. Review status: criteria provided, single submitter. Criteria: ACMG Guidelines, 2015. Collection method: clinical testing. Allele origin: germline. Affected: no.

GeneDx
Classification: Benign. Last evaluated: 2014-09-24. Review status: criteria provided, single submitter. Criteria: GeneDx Variant Classification (06012015). Collection method: clinical testing. Allele origin: germline. Affected: yes.
Comment: This variant is considered likely benign or benign based on one or more of the following criteria: it is a conservative change, it occurs at a poorly conserved position in the protein, it is predicted to be benign by multiple in silico algorithms, and/or has population frequency not consistent with disease.

NM_000548.5(TSC2):c.5069-8C>T

Gene: TSC2 (TSC complex subunit 2; plus strand). Cytogenetic location: 16p13.3.
Variant type: single nucleotide variant.
Coding change: c.5069-8C>T on transcript NM_000548.5 (MANE Select); 8 bases into the intron before coding-DNA position 5069, C replaced by T.
Molecular consequence: intron variant.
Genome position (GRCh38, 1-based): chr16:2,088,040, C>T. VCF-style: chr16-2088040-C-T. GRCh37 (hg19) VCF-style: chr16-2138041-C-T.
Other names: c.5000-8C>T (NM_001114382.3); c.4940-8C>T (NM_021055.3, NM_001370405.1); c.4871-8C>T (NM_001363528.2); c.4937-8C>T (NM_001370404.1); c.4868-8C>T (NM_001077183.3); c.4760-8C>T (NM_001318827.2); c.4337-8C>T (NM_001318831.2); c.4724-8C>T (NM_001318829.2); and 2 more.
Identifiers: ClinVar variation 207691 (VCV000207691.15), dbSNP rs796053478, ClinGen allele CA319395.